The following is an entry in ClinVar:

ClinVar aggregate classification (germline): Pathogenic. Review status: reviewed by expert panel (3 of 4 stars). 2 submissions from 2 submitters: Pathogenic (1). 1 of the submissions does not count toward it. Last evaluated 2023-08-25.

Conditions:
CDH1-related diffuse gastric and lobular breast cancer syndrome. Also called: CDH1-related diffuse gastric and lobular breast cancer. Identifiers: MedGen CN311521, MONDO:0100488.
Hereditary cancer-predisposing syndrome. Also called: Hereditary Cancer Syndrome; Neoplastic Syndromes, Hereditary; Tumor predisposition; Hereditary neoplastic syndrome. Identifiers: Orphanet 140162, MedGen C0027672, MeSH D009386, MONDO:0015356.

Submissions (2):

Clingen Gastric Cancer Variant Curation Expert Panel
Classification: Pathogenic for CDH1-related diffuse gastric and lobular breast cancer syndrome. Last evaluated: 2023-08-25. Review status: reviewed by expert panel. Criteria: ClinGen CDH1 ACMG Specifications V3.1. Collection method: curation. Allele origin: germline. Inheritance: Autosomal dominant inheritance.
Comment: The c.529C>T (p.Gln177Ter) variant is predicted to result in a premature stop codon that leads to a truncated or absent protein (PVS1, PM5_Supporting). This variant is absent in the gnomAD cohort (PM2_Supporting). The variant has been reported in at least one family meeting HDGC clinical criteria (PS4_Supporting; SCV000665073.2). In summary, this variant meets criteria to be classified as pathogenic based on the ACMG/AMP criteria applied as specified by the CDH1 Variant Curation Expert Panel (Variant Interpretation Guidelines Version 3.1): PVS1, PM2_Supporting, PS4_Supporting, PM5_Supporting.

Ambry Genetics
Classification: Pathogenic for Hereditary cancer-predisposing syndrome. Last evaluated: 2024-11-11. Review status: criteria provided, single submitter. Criteria: Ambry Variant Classification Scheme 2023. Collection method: clinical testing. Allele origin: germline. Not counted in ClinVar's aggregate classification.
Comment: The p.Q177* pathogenic mutation (also known as c.529C>T), located in coding exon 4 of the CDH1 gene, results from a C to T substitution at nucleotide position 529. This changes the amino acid from a glutamine to a stop codon within coding exon 4. This variant is considered to be rare based on population cohorts in the Genome Aggregation Database (gnomAD). This alteration is expected to result in loss of function by premature protein truncation or nonsense-mediated mRNA decay. As such, this alteration is interpreted as a disease-causing mutation.

NM_004360.5(CDH1):c.529C>T (p.Gln177Ter)

Gene: CDH1 (cadherin 1; plus strand). Cytogenetic location: 16q22.1.
Variant type: single nucleotide variant.
Coding change: c.529C>T on transcript NM_004360.5 (MANE Select); coding-DNA position 529, C replaced by T.
Protein change: p.Gln177Ter; replaces glutamine 177 with a stop codon.
Molecular consequence: nonsense. On other transcripts: 5 prime UTR variant (2).
Genome position (GRCh38, 1-based): chr16:68,808,565, C>T. VCF-style: chr16-68808565-C-T. GRCh37 (hg19) VCF-style: chr16-68842468-C-T.
Other names: c.529C>T, p.Gln177Ter (NM_001317184.2); c.-1087C>T (NM_001317185.2); c.-1291C>T (NM_001317186.2); c.529C>T (LRG_301t1); short protein forms Q177*.
Identifiers: ClinVar variation 481011 (VCV000481011.7), dbSNP rs1555515232, ClinGen allele CA396457818.